The following is an entry in ClinVar:

NM_003664.5(AP3B1):c.375+11G>A

Gene: AP3B1 (adaptor related protein complex 3 subunit beta 1; minus strand). Cytogenetic location: 5q14.1.
Variant type: single nucleotide variant.
Coding change: c.375+11G>A on transcript NM_003664.5 (MANE Select); 11 bases into the intron after coding-DNA position 375, G replaced by A.
Molecular consequence: intron variant.
Genome position (GRCh38, 1-based): chr5:78,228,133, C>T on the plus strand (G>A on the coding strand, the complement: AP3B1 is on the minus strand). VCF-style: chr5-78228133-C-T. GRCh37 (hg19) VCF-style: chr5-77523957-C-T.
Other names: c.228+11G>A (NM_001271769.2).
Identifiers: ClinVar variation 1339687 (VCV001339687.10), dbSNP rs190638302, ClinGen allele CA3317380.
Genomic context (GRCh38, chr5:78,228,133, plus strand): 5'-CTTCTTTAACTGACACACTTTCAACTCTGCAGAAACCTTGTAGCTATTTGCCTACTCACT[C>T]CATTATTTACCTTCAGAGCTCGCTGAAAAGTGCTTATGGACAGGAGTGCAAGATCCTGCT-3'

ClinVar aggregate classification (germline): Benign/Likely benign. Review status: criteria provided, multiple submitters, no conflicts (2 of 4 stars). 3 submissions from 3 submitters: Benign (2); Likely benign (1). Last evaluated 2026-01-25.

Conditions:
Hermansky-Pudlak syndrome 2 (HPS2). Also called: Platelet defects and oculocutaneous albinism. Identifiers: Orphanet 183678, Orphanet 79430, MedGen C1842362, MONDO:0011997, OMIM 608233.

Allele frequency attached by ClinVar (database versions not stated): gnomAD 0.00106 and 0.00114; TOPMed 0.00106; ESP Exome Variant Server 0.00115; 1000 Genomes Project 0.00120; 1000 Genomes Project 30x 0.00125.
gnomAD v4.1: 292 of 1,583,562 alleles (0.018%); highest among the groups gnomAD compares: African/African-American, 0.36%; 2 homozygotes.

Submissions (3):

Labcorp Genetics (formerly Invitae), Labcorp
Classification: Benign for Hermansky-Pudlak syndrome 2. Last evaluated: 2026-01-25. Review status: criteria provided, single submitter. Criteria: Invitae Variant Classification Sherloc (09022015). Collection method: clinical testing. Allele origin: germline.

Blueprint Genetics
Classification: Likely benign. Last evaluated: 2024-04-03. Review status: criteria provided, single submitter. Criteria: ACMG Guidelines, 2015. Collection method: clinical testing. Allele origin: germline.

Women's Health and Genetics/Laboratory Corporation of America, LabCorp
Classification: Benign. Last evaluated: 2022-01-12. Review status: criteria provided, single submitter. Criteria: LabCorp Variant Classification Summary - May 2015. Collection method: clinical testing. Allele origin: germline.
Comment: Variant summary: AP3B1 c.375+11G>A alters a non-conserved nucleotide located close to a canonical splice site and therefore could affect mRNA splicing, leading to a significantly altered protein sequence. 4/4 computational tools predict no significant impact on normal splicing. However, these predictions have yet to be confirmed by functional studies. The variant allele was found at a frequency of 0.00028 in 233518 control chromosomes, predominantly at a frequency of 0.0035 within the African or African-American subpopulation in the gnomAD database. The observed variant frequency within African or African-American control individuals in the gnomAD database is approximately 7 fold of the estimated maximal expected allele frequency for a pathogenic variant in AP3B1 causing Hermansky-Pudlak Syndrome phenotype (0.0005), strongly suggesting that the variant is a benign polymorphism found primarily in populations of African or African-American origin. To our knowledge, no occurrence of c.375+11G>A in individuals affected with Hermansky-Pudlak Syndrome and no experimental evidence demonstrating its impact on protein function have been reported. No clinical diagnostic laboratories have submitted clinical-significance assessments for this variant to ClinVar after 2014. Based on the evidence outlined above, the variant was classified as benign.